The following is an entry in ClinVar:

ClinVar aggregate classification (germline): Uncertain significance (1 of 4 stars; one submission).

Conditions:
Neuroblastoma, susceptibility to, 3. Also called: ALK-Related Neuroblastic Tumor Susceptibility. Identifiers: Orphanet 635, MedGen C2751681, MONDO:0013083, OMIM 613014.

Submission:

Labcorp Genetics (formerly Invitae), Labcorp
Classification: Uncertain significance for Neuroblastoma, susceptibility to, 3. Last evaluated: 2023-10-04. Review status: criteria provided, single submitter. Criteria: Invitae Variant Classification Sherloc (09022015). Collection method: clinical testing. Allele origin: germline.
Comment: This sequence change replaces glycine, which is neutral and non-polar, with aspartic acid, which is acidic and polar, at codon 181 of the ALK protein (p.Gly181Asp). This variant is not present in population databases (gnomAD no frequency). This variant has not been reported in the literature in individuals affected with ALK-related conditions. An algorithm developed to predict the effect of missense changes on protein structure and function (PolyPhen-2) suggests that this variant is likely to be disruptive. In summary, the available evidence is currently insufficient to determine the role of this variant in disease. Therefore, it has been classified as a Variant of Uncertain Significance.

NM_004304.5(ALK):c.542G>A (p.Gly181Asp)

Gene: ALK (ALK receptor tyrosine kinase; minus strand). Cytogenetic location: 2p23.1.
Variant type: single nucleotide variant.
Coding change: c.542G>A on transcript NM_004304.5 (MANE Select); coding-DNA position 542, G replaced by A.
Protein change: p.Gly181Asp; replaces glycine 181 with aspartic acid.
Molecular consequence: missense variant.
Genome position (GRCh38, 1-based): chr2:29,920,118, C>T on the plus strand (G>A on the coding strand, the complement: ALK is on the minus strand). VCF-style: chr2-29920118-C-T. GRCh37 (hg19) VCF-style: chr2-30142984-C-T.
Other names: short protein forms G181D.
Identifiers: ClinVar variation 2764956 (VCV002764956.3), dbSNP rs2148443024, ClinGen allele CA346589830.